The following is an entry in ClinVar:

NM_006009.4(TUBA1A):c.970G>C (p.Val324Leu)

Gene: TUBA1A (tubulin alpha 1a; minus strand). Cytogenetic location: 12q13.12.
Variant type: single nucleotide variant.
Coding change: c.970G>C on transcript NM_006009.4 (MANE Select); coding-DNA position 970, G replaced by C.
Protein change: p.Val324Leu; replaces valine 324 with leucine.
Molecular consequence: missense variant.
Genome position (GRCh38, 1-based): chr12:49,185,396, C>G on the plus strand (G>C on the coding strand, the complement: TUBA1A is on the minus strand). VCF-style: chr12-49185396-C-G. GRCh37 (hg19) VCF-style: chr12-49579179-C-G.
Other names: c.970G>C, p.Val324Leu (NM_001270399.2); c.865G>C, p.Val289Leu (NM_001270400.2); short protein forms V324L, V289L.
Identifiers: ClinVar variation 212494 (VCV000212494.7), dbSNP rs797046073, ClinGen allele CA213342.

ClinVar aggregate classification (germline): Likely pathogenic. Review status: criteria provided, multiple submitters, no conflicts (2 of 4 stars). 2 submissions from 2 submitters: Likely pathogenic (2). Last evaluated 2018-07-01.

Conditions:
Tubulinopathy. Also called: Tubulinopathies. Identifiers: MedGen CN850169, MONDO:0100153.
Lissencephaly due to TUBA1A mutation (CDCBM16). Also called: CORTICAL DYSPLASIA, COMPLEX, WITH OTHER BRAIN MALFORMATIONS 16; Lissencephaly 3. Identifiers: Orphanet 171680, MedGen C4305153, MONDO:0012703, OMIM 611603.

Submissions (2):

Institute of Human Genetics, FAU Erlangen, Friedrich-Alexander-Universität Erlangen-Nürnberg
Classification: Likely pathogenic for Tubulinopathies. Last evaluated: 2018-07-01. Review status: criteria provided, single submitter. Criteria: ACMG Guidelines, 2015. Collection method: literature only. Allele origin: germline. Affected: yes. Observed: 1 variant allele.
Comment: The c.970G>C, p.(Val324Leu) variant has been reported as a variant of germline/unknown origin.

Genetic Services Laboratory, University of Chicago
Classification: Likely pathogenic for Lissencephaly 3. Last evaluated: 2014-11-24. Review status: criteria provided, single submitter. Criteria: ACMG Guidelines, 2015. Collection method: clinical testing. Allele origin: germline. Affected: yes.

Literature cited by the submitters: PubMed 30744660 (cited by Institute of Human Genetics, FAU Erlangen, Friedrich-Alexander-Universität Erlangen-Nürnberg); DOI 10.1101/427948 (cited by Institute of Human Genetics, FAU Erlangen, Friedrich-Alexander-Universität Erlangen-Nürnberg).